The following is an entry in ClinVar:

NM_002528.7(NTHL1):c.680G>C (p.Gly227Ala)

Gene: NTHL1 (nth like DNA glycosylase 1; minus strand). Cytogenetic location: 16p13.3.
Variant type: single nucleotide variant.
Coding change: c.680G>C on transcript NM_002528.7 (MANE Select); coding-DNA position 680, G replaced by C.
Protein change: p.Gly227Ala; replaces glycine 227 with alanine.
Molecular consequence: missense variant.
Genome position (GRCh38, 1-based): chr16:2,043,572, C>G on the plus strand (G>C on the coding strand, the complement: NTHL1 is on the minus strand). VCF-style: chr16-2043572-C-G. GRCh37 (hg19) VCF-style: chr16-2093573-C-G.
Other names: c.509G>C, p.Gly170Ala (NM_001318193.2); c.350G>C, p.Gly117Ala (NM_001318194.2); short protein forms G117A, G170A, G227A.
Identifiers: ClinVar variation 856156 (VCV000856156.8), dbSNP rs1055874267, ClinGen allele CA394290805.

ClinVar aggregate classification (germline): Uncertain significance (1 of 4 stars; one submission).

Submission:

Labcorp Genetics (formerly Invitae), Labcorp
Classification: Uncertain significance. Last evaluated: 2019-01-29. Review status: criteria provided, single submitter. Criteria: Invitae Variant Classification Sherloc (09022015). Collection method: clinical testing. Allele origin: germline.
Comment: Algorithms developed to predict the effect of missense changes on protein structure and function are either unavailable or do not agree on the potential impact of this missense change (SIFT: "Not Available"; PolyPhen-2: "Probably Damaging"; Align-GVGD: "Not Available"). This variant has not been reported in the literature in individuals with NTHL1-related conditions. This variant is not present in population databases (ExAC no frequency). This sequence change replaces glycine with alanine at codon 235 of the NTHL1 protein (p.Gly235Ala). The glycine residue is highly conserved and there is a small physicochemical difference between glycine and alanine. In summary, the available evidence is currently insufficient to determine the role of this variant in disease. Therefore, it has been classified as a Variant of Uncertain Significance.